The following is an entry in ClinVar:

ClinVar aggregate classification (germline): Uncertain significance. Review status: criteria provided, multiple submitters, no conflicts (2 of 4 stars). 2 submissions from 2 submitters: Uncertain significance (2). Last evaluated 2025-11-26.

Conditions:
Inborn genetic diseases. Identifiers: MedGen C0950123, MeSH D030342.

Allele frequency attached by ClinVar (database versions not stated): gnomAD exomes 0.00001; gnomAD 0.00009; 1000 Genomes Project 30x 0.00031.
gnomAD v4.1: 18 of 1,120,324 alleles (0.0016%); highest among the groups gnomAD compares: African/African-American, 0.026%; no homozygotes.

Submissions (2):

Ambry Genetics
Classification: Uncertain significance for Inborn genetic diseases. Last evaluated: 2025-11-26. Review status: criteria provided, single submitter. Criteria: Ambry Variant Classification Scheme 2023. Collection method: clinical testing. Allele origin: germline.

Labcorp Genetics (formerly Invitae), Labcorp
Classification: Uncertain significance. Last evaluated: 2023-07-19. Review status: criteria provided, single submitter. Criteria: Invitae Variant Classification Sherloc (09022015). Collection method: clinical testing. Allele origin: germline.
Comment: This variant has not been reported in the literature in individuals affected with GRIN2D-related conditions. This sequence change replaces glycine, which is neutral and non-polar, with serine, which is neutral and polar, at codon 3 of the GRIN2D protein (p.Gly3Ser). This variant is present in population databases (no rsID available, gnomAD 0.04%). ClinVar contains an entry for this variant (Variation ID: 1517040). Advanced modeling of protein sequence and biophysical properties (such as structural, functional, and spatial information, amino acid conservation, physicochemical variation, residue mobility, and thermodynamic stability) performed at Invitae indicates that this missense variant is not expected to disrupt GRIN2D protein function. In summary, the available evidence is currently insufficient to determine the role of this variant in disease. Therefore, it has been classified as a Variant of Uncertain Significance.

NM_000836.4(GRIN2D):c.7G>A (p.Gly3Ser)

Gene: GRIN2D (glutamate ionotropic receptor NMDA type subunit 2D; plus strand). Cytogenetic location: 19q13.33.
Variant type: single nucleotide variant.
Coding change: c.7G>A on transcript NM_000836.4 (MANE Select); coding-DNA position 7, G replaced by A.
Protein change: p.Gly3Ser; replaces glycine 3 with serine.
Molecular consequence: missense variant.
Genome position (GRCh38, 1-based): chr19:48,398,399, G>A. VCF-style: chr19-48398399-G-A. GRCh37 (hg19) VCF-style: chr19-48901656-G-A.
Other names: c.7G>A (NM_000836.2); short protein forms G3S.
Identifiers: ClinVar variation 1517040 (VCV001517040.7), dbSNP rs908012919, ClinGen allele CA309325415.